The following is an entry in ClinVar:

NM_001370466.1(NOD2):c.622C>T (p.Arg208Cys)

Gene: NOD2 (nucleotide binding oligomerization domain containing 2; plus strand). Cytogenetic location: 16q12.1.
Variant type: single nucleotide variant.
Coding change: c.622C>T on transcript NM_001370466.1 (MANE Select); coding-DNA position 622, C replaced by T.
Protein change: p.Arg208Cys; replaces arginine 208 with cysteine.
Molecular consequence: missense variant. On other transcripts: non-coding transcript variant (1).
Genome position (GRCh38, 1-based): chr16:50,710,614, C>T. VCF-style: chr16-50710614-C-T. GRCh37 (hg19) VCF-style: chr16-50744525-C-T.
Other names: c.703C>T (LRG_177t1); c.622C>T, p.Arg208Cys (NM_001293557.2); c.703C>T, p.Arg235Cys (NM_022162.3); short protein forms R235C, R208C.
Identifiers: ClinVar variation 97879 (VCV000097879.22), dbSNP rs104895422, ClinGen allele CA150339.
Genomic context (GRCh38, chr16:50,710,614, plus strand): 5'-CCAGCTGCCACATGCAAGAAGTATATGGCCAAGCTGAGGACCACGGTGTCTGCTCAGTCT[C>T]GCTTCCTCAGTACCTATGATGGAGCAGAGACGCTCTGCCTGGAGGACATATACACAGAGA-3'
Protein context (NP_001357395.1, residues 198-218): KLRTTVSAQS[Arg208Cys]FLSTYDGAET

ClinVar aggregate classification (germline): Conflicting classifications of pathogenicity. Review status: criteria provided, conflicting classifications (1 of 4 stars). 9 submissions from 8 submitters: Uncertain significance (4); Likely benign (3). 2 of the submissions do not count toward it. Last evaluated 2026-04-02.

Conditions:
Blau syndrome (BLAUS). Also called: ARTHROCUTANEOUVEAL GRANULOMATOSIS; GRANULOMATOSIS, FAMILIAL JUVENILE SYSTEMIC; GRANULOMATOSIS, FAMILIAL, BLAU TYPE; GRANULOMATOUS INFLAMMATORY ARTHRITIS, DERMATITIS, AND UVEITIS, FAMILIAL; JABS SYNDROME. Identifiers: Orphanet 90340, MedGen C5201146, MONDO:0008523, OMIM 186580.
Regional enteritis. Also called: Enteritis, Granulomatous. Identifiers: MedGen C0678202, MeSH D003424.
Autoinflammatory syndrome. Identifiers: Orphanet 93665, MedGen C3890737, MONDO:0019751.
NOD2-related disorder. Also called: NOD2-related condition.
Inflammatory bowel disease 1 (IBD1). Also called: Inflammatory bowel disease 1, Crohn disease; INFLAMMATORY BOWEL DISEASE (CROHN DISEASE) 1. Identifiers: MedGen CN260071, MONDO:0009960, OMIM 266600.
Yao syndrome. Also called: Susceptibility to Yao syndrome. Identifiers: MedGen C4310620, MONDO:0015019, OMIM 617321.

Allele frequency attached by ClinVar (database versions not stated): ESP Exome Variant Server 0.00008; gnomAD exomes 0.00010 and 0.00012; TOPMed 0.00012; ExAC 0.00013; gnomAD 0.00013 and 0.00014; 1000 Genomes Project 30x 0.00016; 1000 Genomes Project 0.00020.
gnomAD v4.1: 194 of 1,614,202 alleles (0.012%); highest among the groups gnomAD compares: Middle Eastern, 0.049%; no homozygotes.

Submissions (9):

Women's Health and Genetics/Laboratory Corporation of America, LabCorp
Classification: Uncertain significance. Last evaluated: 2026-04-02. Review status: criteria provided, single submitter. Criteria: LabCorp Variant Classification Summary - May 2015. Collection method: clinical testing. Allele origin: germline.
Comment: Variant summary: NOD2 c.703C>T (p.Arg235Cys) results in a non-conservative amino acid change in the encoded protein sequence. Algorithms developed to predict the effect of missense changes on protein structure and function are either unavailable or do not agree on the potential impact of this missense change. The variant allele was found at a frequency of 0.0001 in 251460 control chromosomes (gnomAD). The observed variant frequency exceeds the estimated maximal expected allele frequency for disease-causing variants in NOD2. c.703C>T has been observed in individuals affected with Crohn disease and Yao syndrome (Lesage_2002, Chamaillard_2003, King_2006, Karamanakos_2024). These reports do not provide unequivocal conclusions about association of the variant with Blau syndrome. At least one publication reports experimental evidence evaluating an impact on protein function and this variant affects NOD2 protein function (Chamaillard_2003). The following publications have been ascertained in the context of this evaluation (PMID: 11875755, 12626759, 16278823, 38348033). ClinVar contains an entry for this variant (Variation ID: 97879). Based on the evidence outlined above, the variant was classified as uncertain significance.

Labcorp Genetics (formerly Invitae), Labcorp
Classification: Uncertain significance for Regional enteritis; Blau syndrome. Last evaluated: 2025-07-02. Review status: criteria provided, single submitter. Criteria: Invitae Variant Classification Sherloc (09022015). Collection method: clinical testing. Allele origin: germline.
Comment: This sequence change replaces arginine, which is basic and polar, with cysteine, which is neutral and slightly polar, at codon 235 of the NOD2 protein (p.Arg235Cys). This variant is present in population databases (rs104895422, gnomAD 0.02%). This missense change has been observed in individual(s) with Crohn's disease (CD) (PMID: 11875755, 12626759, 16278823). ClinVar contains an entry for this variant (Variation ID: 97879). Invitae Evidence Modeling of protein sequence and biophysical properties (such as structural, functional, and spatial information, amino acid conservation, physicochemical variation, residue mobility, and thermodynamic stability) indicates that this missense variant is not expected to disrupt NOD2 protein function with a negative predictive value of 95%. Experimental studies have shown that this missense change affects NOD2 function (PMID: 12626759). In summary, the available evidence is currently insufficient to determine the role of this variant in disease. Therefore, it has been classified as a Variant of Uncertain Significance.

Blueprint Genetics
Classification: Likely benign. Last evaluated: 2024-09-03. Review status: criteria provided, single submitter. Criteria: ACMG Guidelines, 2015. Collection method: clinical testing. Allele origin: germline.

Genome Diagnostics Laboratory, The Hospital for Sick Children
Classification: Uncertain significance for Autoinflammatory syndrome. Last evaluated: 2022-05-03. Review status: criteria provided, single submitter. Criteria: ACMG Guidelines, 2015. Collection method: clinical testing. Allele origin: germline. Affected: yes.

Department of Pathology and Laboratory Medicine, Sinai Health System
Classification: Uncertain significance for Blau syndrome; Inflammatory bowel disease 1; Yao syndrome. Last evaluated: 2021-09-28. Review status: criteria provided, single submitter. Criteria: ACMG Guidelines, 2015. Collection method: research. Allele origin: germline.

Illumina Laboratory Services, Illumina
Classification: Likely benign for Blau syndrome. Last evaluated: 2017-04-27. Review status: criteria provided, single submitter. Criteria: ICSL Variant Classification Criteria 13 December 2019. Collection method: clinical testing. Allele origin: germline.
Comment: This variant was observed as part of a predisposition screen in an ostensibly healthy population. A literature search was performed for the gene, cDNA change, and amino acid change (where applicable). No publications were found based on this search. Allele frequency data from public databases allowed determination this variant is unlikely to cause disease. Therefore, this variant is classified as likely benign.

Illumina Laboratory Services, Illumina
Classification: Likely benign for Inflammatory bowel disease 1. Last evaluated: 2017-04-27. Review status: criteria provided, single submitter. Criteria: ICSL Variant Classification Criteria 13 December 2019. Collection method: clinical testing. Allele origin: germline.
Comment: This variant was observed as part of a predisposition screen in an ostensibly healthy population. A literature search was performed for the gene, cDNA change, and amino acid change (where applicable). Publications were found based on this search. The evidence from the literature, in combination with allele frequency data from public databases where available, was sufficient to determine this variant is unlikely to cause disease. Therefore, this variant is classified as likely benign.

PreventionGenetics, part of Exact Sciences
Classification: Uncertain significance for NOD2-related condition. Last evaluated: 2024-03-07. Review status: no assertion criteria provided. Collection method: clinical testing. Allele origin: germline. Not counted in ClinVar's aggregate classification.
Comment: The NOD2 c.703C>T variant is predicted to result in the amino acid substitution p.Arg235Cys. This variant has been reported in individuals with Crohn disease, including one individual who also carried a NOD2 risk allele (Lesage et al. 2002. PubMed ID: 11875755; King et al. 2006. PubMed ID: 16278823). This variant is reported in 0.020% of alleles in individuals of European (Non-Finnish) descent in gnomAD, which is likely too frequent to be a primary cause of disease. In vitro experimental studies suggest this variant may impact protein function (Chamaillard et al. 2003. PubMed ID: 12626759). At this time, the clinical significance of this variant is uncertain due to the absence of conclusive functional and genetic evidence.

Unité médicale des maladies autoinflammatoires, CHRU Montpellier
No classification provided. Condition: Sarcoidosis, early-onset. Review status: no classification provided. Collection method: not provided. Allele origin: unknown. Not counted in ClinVar's aggregate classification.
Comment: also involved in OMIM 186580 and 266600

Literature cited by the submitters: PubMed 12626759 (cited by 3 submitters); PubMed 38348033 (cited by Women's Health and Genetics/Laboratory Corporation of America, LabCorp); PubMed 16278823 (cited by Women's Health and Genetics/Laboratory Corporation of America, LabCorp and Labcorp Genetics (formerly Invitae), Labcorp); PubMed 11875755 (cited by 3 submitters).